The following is an entry in ClinVar:

NM_024570.4(RNASEH2B):c.361G>A (p.Val121Met)

Gene: RNASEH2B (ribonuclease H2 subunit B; plus strand). Cytogenetic location: 13q14.3.
Variant type: single nucleotide variant.
Coding change: c.361G>A on transcript NM_024570.4 (MANE Select); coding-DNA position 361, G replaced by A.
Protein change: p.Val121Met; replaces valine 121 with methionine.
Molecular consequence: missense variant.
Genome position (GRCh38, 1-based): chr13:50,934,924, G>A. VCF-style: chr13-50934924-G-A. GRCh37 (hg19) VCF-style: chr13-51509060-G-A.
Other names: c.361G>A, p.Val121Met (NM_001142279.2); short protein forms V121M.
Identifiers: ClinVar variation 1449520 (VCV001449520.4), dbSNP rs764980431, ClinGen allele CA6985550.
Genomic context (GRCh38, chr13:50,934,924, plus strand): 5'-TCCAACTAACTGTTTTTTCAGGGGAAGTTTCAGCCCCTTGATCAAGTTGTGGTGGATAAC[G>A]TGTTTCCAAATTGCATCTTGTTGCTGAAACTTCCTGGACTTGAGAAGTTACTTCATCATG-3'
Protein context (NP_078846.2, residues 111-131): QPLDQVVVDN[Val121Met]FPNCILLLKL

ClinVar aggregate classification (germline): Uncertain significance (1 of 4 stars; one submission).

Conditions:
Aicardi-Goutieres syndrome 2. Identifiers: Orphanet 51, MedGen C3489724, MONDO:0012429, OMIM 610181.

Allele frequency attached by ClinVar (database versions not stated): ExAC 0.00001.
gnomAD v4.1: 10 of 1,613,916 alleles (0.00062%); highest among the groups gnomAD compares: Non-Finnish European, 0.00085%; no homozygotes.

Submission:

Labcorp Genetics (formerly Invitae), Labcorp
Classification: Uncertain significance for Aicardi-Goutieres syndrome 2. Last evaluated: 2023-12-18. Review status: criteria provided, single submitter. Criteria: Invitae Variant Classification Sherloc (09022015). Collection method: clinical testing. Allele origin: germline.
Comment: This sequence change replaces valine, which is neutral and non-polar, with methionine, which is neutral and non-polar, at codon 121 of the RNASEH2B protein (p.Val121Met). This variant is present in population databases (rs764980431, gnomAD 0.006%). This variant has not been reported in the literature in individuals affected with RNASEH2B-related conditions. ClinVar contains an entry for this variant (Variation ID: 1449520). Algorithms developed to predict the effect of missense changes on protein structure and function output the following: SIFT: "Not Available"; PolyPhen-2: "Benign"; Align-GVGD: "Not Available". The methionine amino acid residue is found in multiple mammalian species, which suggests that this missense change does not adversely affect protein function. In summary, the available evidence is currently insufficient to determine the role of this variant in disease. Therefore, it has been classified as a Variant of Uncertain Significance.